The following is an entry in ClinVar:

ClinVar aggregate classification (germline): Uncertain significance (1 of 4 stars; one submission).

Submission:

Labcorp Genetics (formerly Invitae), Labcorp
Classification: Uncertain significance. Last evaluated: 2021-12-13. Review status: criteria provided, single submitter. Criteria: Invitae Variant Classification Sherloc (09022015). Collection method: clinical testing. Allele origin: germline.
Comment: This variant is a gross deletion of the genomic region encompassing exon(s) 9-12 of the FASTKD2 gene, which includes the termination codon. This deletion extends beyond the assayed region for this gene and therefore may encompass additional genes. While this deletion is not anticipated to lead to nonsense mediated decay, it is expected to alter mRNA translation or result in a truncated protein product. This variant has not been reported in the literature in individuals affected with FASTKD2-related conditions. In summary, the available evidence is currently insufficient to determine the role of this variant in disease. Therefore, it has been classified as a Variant of Uncertain Significance.

NC_000002.11:g.(?_207652641)_(207656526_?)del

Gene: FASTKD2 (FAST kinase domains 2; plus strand). Cytogenetic location: 2q33.3.
Variant type: Deletion.
Identifiers: ClinVar variation 2426004 (VCV002426004.4).